The following is an entry in ClinVar:

NM_004655.4(AXIN2):c.1805G>A (p.Gly602Glu)

Gene: AXIN2 (axin 2; minus strand). Cytogenetic location: 17q24.1.
Variant type: single nucleotide variant.
Coding change: c.1805G>A on transcript NM_004655.4 (MANE Select); coding-DNA position 1805, G replaced by A.
Protein change: p.Gly602Glu; replaces glycine 602 with glutamic acid.
Molecular consequence: missense variant. On other transcripts: intron variant (1).
Genome position (GRCh38, 1-based): chr17:65,536,971, C>T on the plus strand (G>A on the coding strand, the complement: AXIN2 is on the minus strand). VCF-style: chr17-65536971-C-T. GRCh37 (hg19) VCF-style: chr17-63533089-C-T.
Other names: c.1712+353G>A (NM_001363813.1); short protein forms G602E.
Identifiers: ClinVar variation 5032528 (VCV005032528.1).
Genomic context (GRCh38, chr17:65,536,971, plus strand): 5'-CACTGCCAGACATCCTGCGACCTGTCTCCTTCCTCCCGGGGAAGCTGCAGGGCCCCAGCT[C>T]CGCCGGGGGCCCCTCCTTCCCTGGCGGGCAGGGCCAGGCCCGGCTCCGTGCCTTTCCCAT-3'
Protein context (NP_004646.3, residues 592-612): LPAREGGAPG[Gly602Glu]AGALQLPREE

ClinVar aggregate classification (germline): Uncertain significance (1 of 4 stars; one submission).

Conditions:
Hereditary cancer-predisposing syndrome. Also called: Neoplastic Syndromes, Hereditary; Tumor predisposition; Hereditary neoplastic syndrome; Hereditary Cancer Syndrome. Identifiers: Orphanet 140162, MedGen C0027672, MeSH D009386, MONDO:0015356.

Submission:

Ambry Genetics
Classification: Uncertain significance for Hereditary cancer-predisposing syndrome. Last evaluated: 2026-07-02. Review status: criteria provided, single submitter. Criteria: Ambry Variant Classification Scheme 2023. Collection method: clinical testing. Allele origin: germline.
Comment: The p.G602E variant (also known as c.1805G>A), located in coding exon 6 of the AXIN2 gene, results from a G to A substitution at nucleotide position 1805. The glycine at codon 602 is replaced by glutamic acid, an amino acid with similar properties. This amino acid position is conserved. In addition, this alteration is predicted to be tolerated by in silico analysis. Based on the available evidence, the clinical significance of this variant remains unclear.